The following is an entry in ClinVar:

NM_194248.3(OTOF):c.2039G>C (p.Gly680Ala)

Gene: OTOF (otoferlin; minus strand). Cytogenetic location: 2p23.3.
Variant type: single nucleotide variant.
Coding change: c.2039G>C on transcript NM_194248.3 (MANE Select); coding-DNA position 2039, G replaced by C.
Protein change: p.Gly680Ala; replaces glycine 680 with alanine.
Molecular consequence: missense variant.
Genome position (GRCh38, 1-based): chr2:26,479,527, C>G on the plus strand (G>C on the coding strand, the complement: OTOF is on the minus strand). VCF-style: chr2-26479527-C-G. GRCh37 (hg19) VCF-style: chr2-26702395-C-G.
Other names: c.2039G>C, p.Gly680Ala (NM_001287489.2); short protein forms G680A.
Identifiers: ClinVar variation 2001181 (VCV002001181.4), dbSNP rs751952710, ClinGen allele CA346128606.
Genomic context (GRCh38, chr2:26,479,527, plus strand): 5'-GCCCACCTGTCGGTGACCTGGGGCCGCATTGGTGGAGTGGAGGAGACTGAGGCCAGGTCC[C>G]CGGCATCACCGGCCTCGTCATCACTTGCGTTCTGAATCAGGTCTACTTCTTCCTCATCCC-3'
Protein context (NP_919224.1, residues 670-690): NASDDEAGDA[Gly680Ala]DLASVSSTPP

ClinVar aggregate classification (germline): Uncertain significance (1 of 4 stars; one submission).

Submission:

Labcorp Genetics (formerly Invitae), Labcorp
Classification: Uncertain significance. Last evaluated: 2022-05-30. Review status: criteria provided, single submitter. Criteria: Invitae Variant Classification Sherloc (09022015). Collection method: clinical testing. Allele origin: germline.
Comment: In summary, the available evidence is currently insufficient to determine the role of this variant in disease. Therefore, it has been classified as a Variant of Uncertain Significance. This sequence change replaces glycine, which is neutral and non-polar, with alanine, which is neutral and non-polar, at codon 680 of the OTOF protein (p.Gly680Ala). This variant is not present in population databases (gnomAD no frequency). This variant has not been reported in the literature in individuals affected with OTOF-related conditions. Algorithms developed to predict the effect of missense changes on protein structure and function are either unavailable or do not agree on the potential impact of this missense change (SIFT: "Deleterious"; PolyPhen-2: "Benign"; Align-GVGD: "Class C0").